The following is an entry in ClinVar:

ClinVar aggregate classification (germline): Uncertain significance (1 of 4 stars; one submission).

Conditions:
PTCH1-related disorder. Also called: PTCH1-related disorders; PTCH1-related condition.

Submission:

PreventionGenetics, part of Exact Sciences
Classification: Uncertain significance for PTCH1-related condition. Last evaluated: 2024-11-26. Review status: criteria provided, single submitter. Criteria: ACMG Guidelines, 2015. Collection method: clinical testing. Allele origin: germline.
Comment: The PTCH1 c.1894G>C variant is predicted to result in the amino acid substitution p.Asp632His. To our knowledge, this variant has not been reported in the literature or in a large population database (gnomAD), indicating this variant is rare. At this time, the clinical significance of this variant is uncertain due to the absence of conclusive functional and genetic evidence.

NM_000264.5(PTCH1):c.1894G>C (p.Asp632His)

Genes: PTCH1 (patched 1; minus strand), LOC100507346 (uncharacterized LOC100507346; plus strand). Cytogenetic location: 9q22.32.
Variant type: single nucleotide variant.
Coding change: c.1894G>C on transcript NM_000264.5 (MANE Select); coding-DNA position 1894, G replaced by C.
Protein change: p.Asp632His; replaces aspartic acid 632 with histidine.
Molecular consequence: missense variant. On other transcripts: non-coding transcript variant (2).
Genome position (GRCh38, 1-based): chr9:95,469,107, C>G on the plus strand (G>C on the coding strand, the complement: PTCH1 is on the minus strand). VCF-style: chr9-95469107-C-G. GRCh37 (hg19) VCF-style: chr9-98231389-C-G.
Other names: c.1696G>C, p.Asp566His (NM_001083602.3); c.1891G>C, p.Asp631His (NM_001083603.3); c.1441G>C, p.Asp481His (NM_001083604.3, NM_001083605.3, NM_001083606.3 and 1 more transcripts); c.1738G>C, p.Asp580His (NM_001354918.2); short protein forms D566H, D481H, D580H, D631H, D632H.
Identifiers: ClinVar variation 5001889 (VCV005001889.1).
Genomic context (GRCh38, chr9:95,469,107, plus strand): 5'-GGGCAAAGCTGTGGCTGCTGTAGGGAGGTGGGGGGCTGTAGCGGGTATTGTCGTGTGTGT[C>G]GGTGTAGGCCTGAGGTTCAACCTGAATCACTCTGCTGACGCAGGGGCTGAAAGGAGGGGA-3'
Protein context (NP_000255.2, residues 622-642): VIQVEPQAYT[Asp632His]THDNTRYSPP